The following is an entry in ClinVar:

ClinVar aggregate classification (germline): Uncertain significance (1 of 4 stars; one submission).

Conditions:
Hereditary cancer-predisposing syndrome. Also called: Neoplastic Syndromes, Hereditary; Tumor predisposition; Hereditary Cancer Syndrome; Hereditary neoplastic syndrome. Identifiers: Orphanet 140162, MedGen C0027672, MeSH D009386, MONDO:0015356.

Submission:

Ambry Genetics
Classification: Uncertain significance for Hereditary cancer-predisposing syndrome. Last evaluated: 2026-03-23. Review status: criteria provided, single submitter. Criteria: Ambry Variant Classification Scheme 2023. Collection method: clinical testing. Allele origin: germline.
Comment: The p.G719V variant (also known as c.2156G>T), located in coding exon 18 of the EGFR gene, results from a G to T substitution at nucleotide position 2156. The glycine at codon 719 is replaced by valine, an amino acid with dissimilar properties. This amino acid position is highly conserved in available vertebrate species. In addition, this alteration is predicted to be deleterious by in silico analysis. Based on the available evidence, the clinical significance of this variant remains unclear.

NM_005228.5(EGFR):c.2156G>T (p.Gly719Val)

Gene: EGFR (epidermal growth factor receptor; plus strand). Cytogenetic location: 7p11.2.
Variant type: single nucleotide variant.
Coding change: c.2156G>T on transcript NM_005228.5 (MANE Select); coding-DNA position 2156, G replaced by T.
Protein change: p.Gly719Val; replaces glycine 719 with valine.
Molecular consequence: missense variant.
Genome position (GRCh38, 1-based): chr7:55,174,015, G>T. VCF-style: chr7-55174015-G-T. GRCh37 (hg19) VCF-style: chr7-55241708-G-T.
Other names: c.2021G>T, p.Gly674Val (NM_001346897.2, NM_001346899.2); c.2156G>T, p.Gly719Val (NM_001346898.2); c.1997G>T, p.Gly666Val (NM_001346900.2); c.1355G>T, p.Gly452Val (NM_001346941.2); short protein forms G452V, G666V, G674V, G719V.
Identifiers: ClinVar variation 4870217 (VCV004870217.1).